The following is an entry in ClinVar:

ClinVar aggregate classification (germline): Benign/Likely benign. Review status: criteria provided, multiple submitters, no conflicts (2 of 4 stars). 3 submissions from 3 submitters: Benign (1); Likely benign (1). 1 of the submissions does not count toward it. Last evaluated 2026-01-12.

Conditions:
EXT2-related disorder. Also called: EXT2-related condition.
Exostoses, multiple, type 2 (EXT2). Also called: Hereditary Multiple Osteochondromatosis, Type II; EXOSTOSES, MULTIPLE, TYPE II. Identifiers: Orphanet 321, MedGen C1851413, MONDO:0007586, OMIM 133701.

Allele frequency attached by ClinVar (database versions not stated): 1000 Genomes Project 0.00060; 1000 Genomes Project 30x 0.00062; TOPMed 0.00067; gnomAD 0.00070; ESP Exome Variant Server 0.00100.
gnomAD v4.1: 236 of 1,614,142 alleles (0.015%); highest among the groups gnomAD compares: African/African-American, 0.18%; 1 homozygote.

Submissions (3):

Labcorp Genetics (formerly Invitae), Labcorp
Classification: Benign for Exostoses, multiple, type 2. Last evaluated: 2026-01-12. Review status: criteria provided, single submitter. Criteria: Invitae Variant Classification Sherloc (09022015). Collection method: clinical testing. Allele origin: germline.

Blueprint Genetics
Classification: Likely benign. Last evaluated: 2024-07-25. Review status: criteria provided, single submitter. Criteria: ACMG Guidelines, 2015. Collection method: clinical testing. Allele origin: germline.

PreventionGenetics, part of Exact Sciences
Classification: Likely benign for EXT2-related condition. Last evaluated: 2022-03-24. Review status: no assertion criteria provided. Collection method: clinical testing. Allele origin: germline. Not counted in ClinVar's aggregate classification.
Comment: This variant is classified as likely benign based on ACMG/AMP sequence variant interpretation guidelines (Richards et al. 2015 PMID: 25741868, with internal and published modifications).

NM_207122.2(EXT2):c.358G>A (p.Val120Ile)

Gene: EXT2 (exostosin glycosyltransferase 2; plus strand). Cytogenetic location: 11p11.2.
Variant type: single nucleotide variant.
Coding change: c.358G>A on transcript NM_207122.2 (MANE Select); coding-DNA position 358, G replaced by A.
Protein change: p.Val120Ile; replaces valine 120 with isoleucine.
Molecular consequence: missense variant.
Genome position (GRCh38, 1-based): chr11:44,108,070, G>A. VCF-style: chr11-44108070-G-A. GRCh37 (hg19) VCF-style: chr11-44129620-G-A.
Other names: c.457G>A, p.Val153Ile (NM_000401.3); c.358G>A, p.Val120Ile (NM_001178083.3, NM_001389628.1, NM_001389630.1); short protein forms V153I, V120I.
Identifiers: ClinVar variation 767599 (VCV000767599.12), dbSNP rs115948531, ClinGen allele CA5954863.